The following is an entry in ClinVar:

NM_003126.4(SPTA1):c.2167C>T (p.Gln723Ter)

Gene: SPTA1 (spectrin alpha, erythrocytic 1; minus strand). Cytogenetic location: 1q23.1.
Variant type: single nucleotide variant.
Coding change: c.2167C>T on transcript NM_003126.4 (MANE Select); coding-DNA position 2167, C replaced by T.
Protein change: p.Gln723Ter; replaces glutamine 723 with a stop codon.
Molecular consequence: nonsense.
Genome position (GRCh38, 1-based): chr1:158,666,369, G>A on the plus strand (C>T on the coding strand, the complement: SPTA1 is on the minus strand). VCF-style: chr1-158666369-G-A. GRCh37 (hg19) VCF-style: chr1-158636159-G-A.
Other names: short protein forms Q723*.
Identifiers: ClinVar variation 3382312 (VCV003382312.2).

ClinVar aggregate classification (germline): Likely pathogenic (1 of 4 stars; one submission).

Conditions:
Elliptocytosis 2 (EL2). Also called: ELLIPTOCYTOSIS, RHESUS-UNLINKED TYPE. Identifiers: Orphanet 288, MedGen C1851741, MONDO:0007533, OMIM 130600.
Pyropoikilocytosis, hereditary. Also called: Pyropoikilocytosis. Identifiers: MedGen C0520739, MONDO:0009948, OMIM 266140, HP:0004839. Disease mechanism: loss of function.
Hereditary spherocytosis type 3. Also called: SPTA1-Related Spherocytosis; Spherocytosis type 3. Identifiers: Orphanet 822, MedGen C2678338, MONDO:0010053, OMIM 270970.

Submission:

Juno Genomics, Hangzhou Juno Genomics, Inc
Classification: Likely pathogenic for Elliptocytosis 2; Pyropoikilocytosis, hereditary; Hereditary spherocytosis type 3. Review status: criteria provided, single submitter. Criteria: ACMG Guidelines, 2015. Collection method: clinical testing. Allele origin: germline. Affected: yes.
Comment: Absent from controls (or at extremely low frequency if recessive) in Genome Aggregation Database, Exome Sequencing Project, 1000 Genomes Project, or Exome Aggregation Consortium.;Null variant in a gene where loss of function (LOF) is a known mechanism of disease.